The following is an entry in ClinVar:

NM_002485.5(NBN):c.32C>T (p.Ala11Val)

Gene: NBN (nibrin; minus strand). Cytogenetic location: 8q21.3.
Variant type: single nucleotide variant.
Coding change: c.32C>T on transcript NM_002485.5 (MANE Select); coding-DNA position 32, C replaced by T.
Protein change: p.Ala11Val; replaces alanine 11 with valine.
Molecular consequence: missense variant. On other transcripts: 5 prime UTR variant (1).
Genome position (GRCh38, 1-based): chr8:89,984,530, G>A on the plus strand (C>T on the coding strand, the complement: NBN is on the minus strand). VCF-style: chr8-89984530-G-A. GRCh37 (hg19) VCF-style: chr8-90996758-G-A.
Other names: c.-265C>T (NM_001024688.3); short protein forms A11V.
Identifiers: ClinVar variation 1692684 (VCV001692684.2), dbSNP rs1812242013, ClinGen allele CA371664134.

ClinVar aggregate classification (germline): Uncertain significance. Review status: criteria provided, multiple submitters, no conflicts (2 of 4 stars). 2 submissions from 2 submitters: Uncertain significance (2). Last evaluated 2025-05-15.

Conditions:
Hereditary cancer-predisposing syndrome. Also called: Hereditary Cancer Syndrome; Hereditary neoplastic syndrome; Neoplastic Syndromes, Hereditary; Tumor predisposition. Identifiers: Orphanet 140162, MedGen C0027672, MeSH D009386, MONDO:0015356.

Allele frequency attached by ClinVar (database versions not stated): gnomAD exomes below 0.00001.
gnomAD v4.1: 2 of 1,613,042 alleles (0.00012%); highest among the groups gnomAD compares: East Asian, 0.0045%; no homozygotes.

Submissions (2):

Women's Health and Genetics/Laboratory Corporation of America, LabCorp
Classification: Uncertain significance. Last evaluated: 2025-05-15. Review status: criteria provided, single submitter. Criteria: LabCorp Variant Classification Summary - May 2015. Collection method: clinical testing. Allele origin: germline.
Comment: Variant summary: NBN c.32C>T (p.Ala11Val) results in a non-conservative amino acid change in the encoded protein sequence. Algorithms developed to predict the effect of missense changes on protein structure and function are either unavailable or do not agree on the potential impact of this missense change. The frequency data for this variant in gnomAD is considered unreliable, as metrics indicate poor data quality at this position. c.32C>T has been observed in individuals affected with Breast cancer (Momozawa_NC_20182018, Okawa_2022). These reports do not provide unequivocal conclusions about association of the variant with Nijmegen Breakage Syndrome. To our knowledge, no experimental evidence demonstrating an impact on protein function has been reported. The following publications have been ascertained in the context of this evaluation (PMID: 30287823, 36243179). ClinVar contains an entry for this variant (Variation ID: 1692684). Based on the evidence outlined above, the variant was classified as uncertain significance.

Sema4
Classification: Uncertain significance for Hereditary cancer-predisposing syndrome. Last evaluated: 2022-03-10. Review status: criteria provided, single submitter. Criteria: Sema4 Curation Guidelines. Collection method: curation. Allele origin: germline.
Comment: The NBN c.32C>T (p.A11V) variant has been reported in heterozygosity in at least two individuals with breast cancer and was also identified in several healthy controls (PMID: 30287823, 32980694). This variant is not reported in the population database Genome Aggregation Database (PMID: 32461654). The variant has not been reported in ClinVar. Functional studies have not been performed, and in silico predictions of the variant's effect on protein function are inconclusive. The evidence is insufficient to meet ACMG/AMP criteria for classifying the variant as benign or pathogenic. Thus, the clinical significance of this variant is currently uncertain.

Literature cited by the submitters: PubMed 30287823 (cited by Women's Health and Genetics/Laboratory Corporation of America, LabCorp and Sema4); PubMed 36243179 (cited by Women's Health and Genetics/Laboratory Corporation of America, LabCorp); PubMed 32980694 (cited by Sema4).